The following is an entry in ClinVar:

ClinVar aggregate classification (germline): Uncertain significance (1 of 4 stars; one submission).

Allele frequency attached by ClinVar (database versions not stated): ExAC 0.00001; gnomAD exomes 0.00001.
gnomAD v4.1: 4 of 1,613,112 alleles (0.00025%); highest among the groups gnomAD compares: South Asian, 0.0011%; no homozygotes.

Submission:

Labcorp Genetics (formerly Invitae), Labcorp
Classification: Uncertain significance. Last evaluated: 2025-08-21. Review status: criteria provided, single submitter. Criteria: Invitae Variant Classification Sherloc (09022015). Collection method: clinical testing. Allele origin: germline.
Comment: This sequence change replaces glutamic acid, which is acidic and polar, with lysine, which is basic and polar, at codon 591 of the ARMC9 protein (p.Glu591Lys). This variant is present in population databases (rs747281529, gnomAD 0.0009%). This variant has not been reported in the literature in individuals affected with ARMC9-related conditions. ClinVar contains an entry for this variant (Variation ID: 1506933). Experimental studies and prediction algorithms are not available or were not evaluated, and the functional significance of this variant is currently unknown. In summary, the available evidence is currently insufficient to determine the role of this variant in disease. Therefore, it has been classified as a Variant of Uncertain Significance.

NM_001352754.2(ARMC9):c.1771G>A (p.Glu591Lys)

Gene: ARMC9 (armadillo repeat containing 9; plus strand). Cytogenetic location: 2q37.1.
Variant type: single nucleotide variant.
Coding change: c.1771G>A on transcript NM_001352754.2 (MANE Select); coding-DNA position 1771, G replaced by A.
Protein change: p.Glu591Lys; replaces glutamic acid 591 with lysine.
Molecular consequence: missense variant. On other transcripts: non-coding transcript variant (1).
Genome position (GRCh38, 1-based): chr2:231,296,251, G>A. VCF-style: chr2-231296251-G-A. GRCh37 (hg19) VCF-style: chr2-232160964-G-A.
Other names: c.1771G>A, p.Glu591Lys (NM_001271466.4, NM_001291656.2, NM_001352755.2 and 3 more transcripts); c.1672G>A, p.Glu558Lys (NM_001352757.2, NM_001352758.2); short protein forms E591K, E558K.
Identifiers: ClinVar variation 1506933 (VCV001506933.6), dbSNP rs747281529, ClinGen allele CA2160471.